The following is an entry in ClinVar:

ClinVar aggregate classification (germline): Benign/Likely benign. Review status: criteria provided, multiple submitters, no conflicts (2 of 4 stars). 4 submissions from 4 submitters: Benign (1); Likely benign (3). Last evaluated 2025-09-22.

Conditions:
Hereditary cancer-predisposing syndrome. Also called: Hereditary Cancer Syndrome; Neoplastic Syndromes, Hereditary; Tumor predisposition; Hereditary neoplastic syndrome. Identifiers: Orphanet 140162, MedGen C0027672, MeSH D009386, MONDO:0015356.
Fanconi anemia complementation group J. Also called: BRIP1-Related Fanconi Anemia. Identifiers: Orphanet 84, MedGen C1836860, MONDO:0012187, OMIM 609054.
Familial cancer of breast. Also called: Hereditary breast cancer; hereditary breast carcinoma; BREAST CANCER, FAMILIAL. Identifiers: Orphanet 227535, MedGen C0346153, MONDO:0016419, OMIM 114480. Disease mechanism: loss of function.

gnomAD v4.1: 1 of 1,614,048 alleles (0.000062%); highest among the groups gnomAD compares: Non-Finnish European, 0.000085%; no homozygotes.

Submissions (4):

Labcorp Genetics (formerly Invitae), Labcorp
Classification: Likely benign for Familial cancer of breast; Fanconi anemia complementation group J. Last evaluated: 2025-09-22. Review status: criteria provided, single submitter. Criteria: Invitae Variant Classification Sherloc (09022015). Collection method: clinical testing. Allele origin: germline.

Myriad Genetics, Inc.
Classification: Benign for Familial cancer of breast. Last evaluated: 2024-09-04. Review status: criteria provided, single submitter. Criteria: Myriad Autosomal Dominant, Autosomal Recessive and X-Linked Classification Criteria (2023). Collection method: clinical testing. Allele origin: unknown.
Comment: This variant is considered benign. This variant is a silent/synonymous amino acid change and it is not expected to impact splicing.

Color Diagnostics, LLC DBA Color Health
Classification: Likely benign for Hereditary cancer-predisposing syndrome. Last evaluated: 2018-08-13. Review status: criteria provided, single submitter. Criteria: ACMG Guidelines, 2015. Collection method: clinical testing. Allele origin: germline.

Ambry Genetics
Classification: Likely benign for Hereditary cancer-predisposing syndrome. Last evaluated: 2015-04-09. Review status: criteria provided, single submitter. Criteria: Ambry Variant Classification Scheme 2023. Collection method: clinical testing. Allele origin: germline.

NM_032043.3(BRIP1):c.2343A>T (p.Thr781=)

Gene: BRIP1 (BRCA1 interacting DNA helicase 1; minus strand). Cytogenetic location: 17q23.2.
Variant type: single nucleotide variant.
Coding change: c.2343A>T on transcript NM_032043.3 (MANE Select); coding-DNA position 2343, A replaced by T.
Protein change: p.Thr781=; no amino-acid change (threonine 781 retained).
Molecular consequence: synonymous variant.
Genome position (GRCh38, 1-based): chr17:61,743,049, T>A on the plus strand (A>T on the coding strand, the complement: BRIP1 is on the minus strand). VCF-style: chr17-61743049-T-A. GRCh37 (hg19) VCF-style: chr17-59820410-T-A.
Identifiers: ClinVar variation 231237 (VCV000231237.20), dbSNP rs772636536, ClinGen allele CA10580808.
Genomic context (GRCh38, chr17:61,743,049, plus strand): 5'-AAACTTAAGGTTTTGATGGCCTACCTGTAGATCTTTCACATTTGGAAAAGGAATTCCTAT[T>A]GTTATGACAGCACGGGCATTGTCATCTGAGAAATCCAGACCCTCACTCACTTTACCACGA-3'
Protein context (NP_114432.2, residues 771-791): FSDDNARAVI[Thr781=]IGIPFPNVKD